The following is an entry in ClinVar:

NM_000329.3(RPE65):c.200T>G (p.Leu67Arg)

Gene: RPE65 (retinoid isomerohydrolase RPE65; minus strand). Cytogenetic location: 1p31.3.
Variant type: single nucleotide variant.
Coding change: c.200T>G on transcript NM_000329.3 (MANE Select); coding-DNA position 200, T replaced by G.
Protein change: p.Leu67Arg; replaces leucine 67 with arginine.
Molecular consequence: missense variant.
Genome position (GRCh38, 1-based): chr1:68,446,755, A>C on the plus strand (T>G on the coding strand, the complement: RPE65 is on the minus strand). VCF-style: chr1-68446755-A-C. GRCh37 (hg19) VCF-style: chr1-68912438-A-C.
Other names: NM_000329.3(RPE65):c.200T>G; p.Leu67Arg; c.200T>G (NM_000329.2); short protein forms L67R.
Identifiers: ClinVar variation 1068757 (VCV001068757.14), dbSNP rs1344724754, ClinGen allele CA340749010.

ClinVar aggregate classification (germline): Pathogenic. Review status: reviewed by expert panel (3 of 4 stars). 6 submissions from 6 submitters: Pathogenic (1). 5 of the submissions do not count toward it. Last evaluated 2024-02-20.

Conditions:
RPE65-related recessive retinopathy. Also called: Recessive RPE65 retinopathy. Identifiers: MedGen CN305526, MONDO:0100368.
Leber congenital amaurosis (LCA). Also called: Leber's amaurosis. Identifiers: Orphanet 65, MedGen C0339527, MeSH D057130, MONDO:0018998.
Retinitis pigmentosa 20 (RP20). Identifiers: Orphanet 791, MedGen C3151086, MONDO:0013425, OMIM 613794.
Leber congenital amaurosis 2 (LCA2). Also called: Autosomal Recessive RPE65-Related Retinal Degeneration; AMAUROSIS CONGENITA OF LEBER II. Identifiers: Orphanet 65, MedGen C1859844, MONDO:0008765, OMIM 204100. Disease mechanism: loss of function.
Retinitis pigmentosa 87 with choroidal involvement. Identifiers: MedGen C5231465, MONDO:0032873, OMIM 618697.

Allele frequency attached by ClinVar (database versions not stated): gnomAD exomes below 0.00001; TOPMed below 0.00001.

Submissions (6):

ClinGen Leber Congenital Amaurosis/early Onset Retinal Dystrophy Variant Curation Expert Panel, ClinGen
Classification: Pathogenic for RPE65-related recessive retinopathy. Last evaluated: 2024-02-20. Review status: reviewed by expert panel. Criteria: ClinGen LCAeoRD ACMG Specifications RPE65 V1.0.0. Collection method: curation. Allele origin: germline. Inheritance: Autosomal recessive inheritance.
Comment: NM_000329.3(RPE65):c.200T>G is a missense variant that causes substitution of leucine with arginine at position 67. This variant is present in gnomAD v.2.1.1 at a maximum allele frequency of 0.00005437, with 1 allele / 18392 total alleles in the East Asian population, which is lower than the ClinGen LCA / eoRD VCEP PM2_Supporting threshold of <0.0002 (PM2_Supporting). This variant has been reported in at least 2 unrelated probands with early-onset severe retinal dystrophy who were compound heterozygous with either the NM_000329.3(RPE65):c.596dup (p.Asn199LysfsTer?) or NM_000329.3(RPE65):c.893del (Lys298Asnfs*27) variant confirmed in trans, which were previously classified pathogenic by the ClinGen LCA / eoRD VCEP (2 total pts, PMID: 34830511, PM3_Strong). At least one proband harboring this variant exhibits a phenotype including diagnosis of Leber congenital amaurosis (0.5 pts) with genotyping by targeted exome sequencing finding no alternative cause of disease among 188 known inherited retinal degeneration genes (2 pts), onset before the age of 5 years (1 pt), reduced central visual acuity (1 pt), nystagmus (1 pt), hypo-autofluorescence (2 pts), and extinguished electroretinogram responses from rods (0.5 pts) and cones (1 pt), which together are highly specific for RPE65-related recessive retinopathy (9 pts, PMID: 34830511, PP4_Moderate). The variant has been reported to segregate with childhood-onset severe retinal dystrophy through the proband plus 1 similarly affected relative in two different families, with the variant present in the compound heterozygous state in both instances (PMID: 22509104, PMID: 23661369, PP1). The computational predictor REVEL gives a score of 0.98, which is above the ClinGen LCA / eoRD VCEP threshold of >=0.773 and predicts a damaging effect on RPE65 function (PP3_Moderate). In summary, this variant meets the criteria to be classified as pathogenic for RPE65-related recessive retinopathy based on the ACMG/AMP criteria applied, as specified by the ClinGen LCA / eoRD VCEP: PM2_Supporting, PM3_Strong, PP1, PP3_Moderate, and PP4_Moderate. (VCEP specifications version 1.0.0; date of approval 09/21/2023).

Myriad Genetics, Inc.
Classification: Likely pathogenic for RPE65-related recessive retinopathy. Last evaluated: 2026-05-19. Review status: criteria provided, single submitter. Criteria: Myriad Autosomal Dominant, Autosomal Recessive and X-Linked Classification Criteria (2023). Collection method: clinical testing. Allele origin: unknown. Not counted in ClinVar's aggregate classification.
Comment: NM_000329.2(RPE65):c.200T>G(L67R) is a missense variant classified as likely pathogenic in the context of inherited retinal dystrophy, RPE65-related. L67R has been observed in cases with relevant disease (PMID: 34830511, 31630094, 31957135). Relevant functional assessments of this variant are not available in the literature. L67R has been observed in referenced population frequency databases. In summary, NM_000329.2(RPE65):c.200T>G(L67R) is a missense variant that has been observed more frequently in cases with the relevant disease than in healthy populations. Please note: this variant was assessed in the context of healthy population screening.

Natera, Inc.
Classification: Pathogenic for Leber congenital amaurosis. Last evaluated: 2025-12-29. Review status: criteria provided, single submitter. Criteria: Natera Variant Classification Schema (03/2026). Collection method: clinical testing. Allele origin: germline. Not counted in ClinVar's aggregate classification.
Comment: The c.200T>G variant in RPE65 is a missense variant predicted to cause substitution of leucine to arginine at amino acid 67. This variant is rare in the general population with a frequency below the threshold expected for the associated phenotype(s). This variant has been observed in one or more individuals affected with the associated recessive disease, as either homozygous or compound heterozygous with a second variant (PMID: 34830511, 31630094). Additionally, this variant has been observed to segregate in affected family members (PMID: 34830511). Computational prediction algorithms indicate this variant is likely to affect gene or protein function. Given the available evidence, this variant is classified as Pathogenic.

Baylor Genetics
Classification: Pathogenic for Leber congenital amaurosis 2. Last evaluated: 2023-09-10. Review status: criteria provided, single submitter. Criteria: ACMG Guidelines, 2015. Collection method: clinical testing. Allele origin: unknown. Not counted in ClinVar's aggregate classification.

Labcorp Genetics (formerly Invitae), Labcorp
Classification: Pathogenic for Leber congenital amaurosis 2; Retinitis pigmentosa 20. Last evaluated: 2023-06-15. Review status: criteria provided, single submitter. Criteria: Invitae Variant Classification Sherloc (09022015). Collection method: clinical testing. Allele origin: germline. Not counted in ClinVar's aggregate classification.
Comment: This sequence change replaces leucine, which is neutral and non-polar, with arginine, which is basic and polar, at codon 67 of the RPE65 protein (p.Leu67Arg). For these reasons, this variant has been classified as Pathogenic. Advanced modeling of protein sequence and biophysical properties (such as structural, functional, and spatial information, amino acid conservation, physicochemical variation, residue mobility, and thermodynamic stability) performed at Invitae indicates that this missense variant is expected to disrupt RPE65 protein function. ClinVar contains an entry for this variant (Variation ID: 1068757). This missense change has been observed in individuals with inherited retinal dystrophy (PMID: 22509104, 23661368, 23661369, 29641573). It has also been observed to segregate with disease in related individuals. This variant is present in population databases (no rsID available, gnomAD 0.006%).

Juno Genomics, Hangzhou Juno Genomics, Inc
Classification: Pathogenic for Leber congenital amaurosis 2; Retinitis pigmentosa 20; Retinitis pigmentosa 87 with choroidal involvement. Review status: criteria provided, single submitter. Criteria: ACMG Guidelines, 2015. Collection method: clinical testing. Allele origin: germline. Not counted in ClinVar's aggregate classification.
Comment: Absent from controls (or at extremely low frequency if recessive) in Genome Aggregation Database.;Multiple lines of computational evidence support a deleterious effect on the gene or gene product.;For recessive disorders, detected in trans with a pathogenic variant.;Co-segregation with disease in multiple affected family members.;Patient's phenotype or family history is highly specific for a disease with a single genetic etiology.

Literature cited by the submitters: PubMed 31630094 (cited by Myriad Genetics, Inc. and Natera, Inc.); PubMed 31957135 (cited by Myriad Genetics, Inc.); PubMed 34830511 (cited by Myriad Genetics, Inc. and Natera, Inc.); PubMed 22509104 (cited by Labcorp Genetics (formerly Invitae), Labcorp); PubMed 23661368 (cited by Labcorp Genetics (formerly Invitae), Labcorp); PubMed 23661369 (cited by Labcorp Genetics (formerly Invitae), Labcorp); PubMed 29641573 (cited by Labcorp Genetics (formerly Invitae), Labcorp).